The following is an entry in ClinVar:

NM_030662.4(MAP2K2):c.371A>G (p.Glu124Gly)

Gene: MAP2K2 (mitogen-activated protein kinase kinase 2; minus strand). Cytogenetic location: 19p13.3.
Variant type: single nucleotide variant.
Coding change: c.371A>G on transcript NM_030662.4 (MANE Select); coding-DNA position 371, A replaced by G.
Protein change: p.Glu124Gly; replaces glutamic acid 124 with glycine.
Molecular consequence: missense variant.
Genome position (GRCh38, 1-based): chr19:4,110,588, T>C on the plus strand (A>G on the coding strand, the complement: MAP2K2 is on the minus strand). VCF-style: chr19-4110588-T-C. GRCh37 (hg19) VCF-style: chr19-4110586-T-C.
Other names: short protein forms E124G.
Identifiers: ClinVar variation 4051187 (VCV004051187.1).

ClinVar aggregate classification (germline): Uncertain significance (1 of 4 stars; one submission).

Conditions:
Cardiovascular phenotype. Identifiers: MedGen CN230736.

gnomAD v4.1: 1 of 1,613,884 alleles (0.000062%); highest among the groups gnomAD compares: East Asian, 0.0022%; no homozygotes.

Submission:

Ambry Genetics
Classification: Uncertain significance for Cardiovascular phenotype. Last evaluated: 2025-04-12. Review status: criteria provided, single submitter. Criteria: Ambry Variant Classification Scheme 2023. Collection method: clinical testing. Allele origin: germline.
Comment: The p.E124G variant (also known as c.371A>G), located in coding exon 3 of the MAP2K2 gene, results from an A to G substitution at nucleotide position 371. The glutamic acid at codon 124 is replaced by glycine, an amino acid with similar properties. This amino acid position is conserved. In addition, the in silico prediction for this alteration is inconclusive. Based on the available evidence, the clinical significance of this variant remains unclear.